The following is an entry in ClinVar:

NM_000282.4(PCCA):c.2185T>G (p.Ter729Gly)

Gene: PCCA (propionyl-CoA carboxylase subunit alpha; plus strand). Cytogenetic location: 13q32.3.
Variant type: single nucleotide variant.
Coding change: c.2185T>G on transcript NM_000282.4 (MANE Select); coding-DNA position 2185, T replaced by G.
Protein change: p.Ter729Gly.
Molecular consequence: stop lost. On other transcripts: non-coding transcript variant (5).
Genome position (GRCh38, 1-based): chr13:100,530,164, T>G. VCF-style: chr13-100530164-T-G. GRCh37 (hg19) VCF-style: chr13-101182418-T-G.
Other names: c.2107T>G, p.Ter703Gly (NM_001127692.3); c.2044T>G, p.Ter682Gly (NM_001178004.2); c.2131T>G, p.Ter711Gly (NM_001352605.2); c.2041T>G, p.Ter681Gly (NM_001352606.2); c.1966T>G, p.Ter656Gly (NM_001352607.2); c.1963T>G, p.Ter655Gly (NM_001352608.2); c.1240T>G, p.Ter414Gly (NM_001352610.2); c.1186T>G, p.Ter396Gly (NM_001352611.2); and 1 more.
Identifiers: ClinVar variation 5004756 (VCV005004756.1).

ClinVar aggregate classification (germline): Uncertain significance (1 of 4 stars; one submission).

Conditions:
Propionic acidemia (PROP). Also called: HYPERGLYCINEMIA WITH KETOACIDOSIS AND LEUKOPENIA; KETOTIC HYPERGLYCINEMIA; GLYCINEMIA, KETOTIC. Identifiers: Orphanet 35, MedGen C0268579, MONDO:0011628, OMIM 606054, HP:0003571.

gnomAD v4.1: 1 of 1,612,450 alleles (0.000062%); highest among the groups gnomAD compares: East Asian, 0.0022%; no homozygotes.

Submission:

Myriad Genetics, Inc.
Classification: Uncertain significance for Propionic acidemia. Last evaluated: 2026-06-27. Review status: criteria provided, single submitter. Criteria: Myriad Autosomal Dominant, Autosomal Recessive and X-Linked Classification Criteria (2023). Collection method: clinical testing. Allele origin: unknown.
Comment: NM_000282.3(PCCA):c.2185T>G(*729Gext*13) is a stop-loss variant classified as a variant of uncertain significance in the context of PCCA-related propionic acidemia. *729Gext*13 has not been observed in cases with relevant disease. Relevant functional assessments of this variant are not available in the literature. *729Gext*13 has not been observed in referenced population frequency databases. In summary, there is insufficient evidence to classify NM_000282.3(PCCA):c.2185T>G(*729Gext*13) as pathogenic or benign. Please note: this variant was assessed in the context of healthy population screening.